The following is an entry in ClinVar:

ClinVar aggregate classification (germline): Pathogenic. Review status: criteria provided, multiple submitters, no conflicts (2 of 4 stars). 2 submissions from 2 submitters: Pathogenic (2). Last evaluated 2025-10-10.

Conditions:
Autosomal recessive polycystic kidney disease (ARPKD). Also called: AR polycystic kidney disease. Identifiers: Orphanet 731, Orphanet 8378, MedGen C0085548, MeSH D017044, MONDO:0009889.
Polycystic kidney disease 4 (PKD4). Also called: PKD3; POLYCYSTIC KIDNEY DISEASE 4 WITH OR WITHOUT POLYCYSTIC LIVER DISEASE; POLYCYSTIC KIDNEY AND HEPATIC DISEASE 1; POLYCYSTIC KIDNEY DISEASE, INFANTILE, TYPE I; Autosomal Recessive Polycystic Kidney Disease – PKHD1. Identifiers: MedGen C4540575, MONDO:0033004, OMIM 263200.

Submissions (2):

Labcorp Genetics (formerly Invitae), Labcorp
Classification: Pathogenic for Autosomal recessive polycystic kidney disease. Last evaluated: 2025-10-10. Review status: criteria provided, single submitter. Criteria: Invitae Variant Classification Sherloc (09022015). Collection method: clinical testing. Allele origin: germline.
Comment: This sequence change creates a premature translational stop signal (p.Glu2158*) in the PKHD1 gene. It is expected to result in an absent or disrupted protein product. Loss-of-function variants in PKHD1 are known to be pathogenic (PMID: 19940839). This variant is not present in population databases (gnomAD no frequency). This premature translational stop signal has been observed in individual(s) with autosomal recessive polycystic kidney disease (PMID: 27225849). ClinVar contains an entry for this variant (Variation ID: 2136415). Algorithms developed to predict the effect of sequence changes on RNA splicing suggest that this variant may disrupt the consensus splice site. For these reasons, this variant has been classified as Pathogenic.

Myriad Genetics, Inc.
Classification: Pathogenic for Polycystic kidney disease 4. Last evaluated: 2025-08-13. Review status: criteria provided, single submitter. Criteria: Myriad Autosomal Dominant, Autosomal Recessive and X-Linked Classification Criteria (2023). Collection method: clinical testing. Allele origin: unknown.
Comment: NM_138694.3(PKHD1):c.6472G>T(E2158*) is a nonsense variant classified as pathogenic in the context of autosomal recessive polycystic kidney disease, PKHD1-related. E2158* has been observed in a case with relevant disease (PMID: 27225849). Relevant functional assessments of this variant are not available in the literature. E2158* has not been observed in referenced population frequency databases. In summary, NM_138694.3(PKHD1):c.6472G>T(E2158*) is a nonsense variant in a gene where loss of function is a known mechanism of disease, is predicted to disrupt protein function, and has been observed more frequently in cases with the relevant disease than in healthy populations. Please note: this variant was assessed in the context of healthy population screening.

Literature cited by the submitters: PubMed 19940839 (cited by Labcorp Genetics (formerly Invitae), Labcorp); PubMed 27225849 (cited by Labcorp Genetics (formerly Invitae), Labcorp and Myriad Genetics, Inc.).

NM_138694.4(PKHD1):c.6472G>T (p.Glu2158Ter)

Gene: PKHD1 (PKHD1 ciliary IPT domain containing fibrocystin/polyductin; minus strand). Cytogenetic location: 6p12.2.
Variant type: single nucleotide variant.
Coding change: c.6472G>T on transcript NM_138694.4 (MANE Select); coding-DNA position 6472, G replaced by T.
Protein change: p.Glu2158Ter; replaces glutamic acid 2158 with a stop codon.
Molecular consequence: nonsense.
Genome position (GRCh38, 1-based): chr6:51,911,817, C>A on the plus strand (G>T on the coding strand, the complement: PKHD1 is on the minus strand). VCF-style: chr6-51911817-C-A. GRCh37 (hg19) VCF-style: chr6-51776615-C-A.
Other names: c.6472G>T, p.Glu2158Ter (NM_170724.3); short protein forms E2158*.
Identifiers: ClinVar variation 2136415 (VCV002136415.5), dbSNP rs1436270991, ClinGen allele CA364437969.